The following is an entry in ClinVar:

ClinVar aggregate classification (germline): Benign (1 of 4 stars; one submission).

Conditions:
Melanoma-pancreatic cancer syndrome. Identifiers: Orphanet 404560, MedGen C1838547, MONDO:0011713, OMIM 606719. Disease mechanism: loss of function.

Submission:

Myriad Genetics, Inc.
Classification: Benign for Melanoma-pancreatic cancer syndrome. Last evaluated: 2025-08-15. Review status: criteria provided, single submitter. Criteria: Myriad Autosomal Dominant, Autosomal Recessive and X-Linked Classification Criteria (2023). Collection method: clinical testing. Allele origin: unknown.
Comment: This variant is considered benign. This variant is intronic and is not expected to impact mRNA splicing.

NM_000077.5(CDKN2A):c.458-93A>T

Gene: CDKN2A (cyclin dependent kinase inhibitor 2A; minus strand). Cytogenetic location: 9p21.3.
Variant type: single nucleotide variant.
Coding change: c.458-93A>T on transcript NM_000077.5 (MANE Select); 93 bases into the intron before coding-DNA position 458, A replaced by T.
Molecular consequence: intron variant.
Genome position (GRCh38, 1-based): chr9:21,968,335, T>A on the plus strand (A>T on the coding strand, the complement: CDKN2A is on the minus strand). VCF-style: chr9-21968335-T-A. GRCh37 (hg19) VCF-style: chr9-21968334-T-A.
Other names: c.305-93A>T (NM_001363763.2); c.*102-93A>T (NM_058195.4); c.*151-93A>T (NM_001195132.2); c.*381-93A>T (NM_058197.5).
Identifiers: ClinVar variation 4294183 (VCV004294183.1).